The following is an entry in ClinVar:

ClinVar aggregate classification (germline): Conflicting classifications of pathogenicity. Review status: criteria provided, conflicting classifications (1 of 4 stars). 5 submissions from 5 submitters: Uncertain significance (3); Likely benign (2). Last evaluated 2026-01-24.

Conditions:
Nemaline myopathy 2 (NEM2). Also called: Nemaline myopathy 2, autosomal recessive. Identifiers: MedGen C1850569, MONDO:0009725, OMIM 256030.
NEB-related disorder. Also called: NEB-Related Disorders; NEB-related condition.

Allele frequency attached by ClinVar (database versions not stated): gnomAD 0.00001; gnomAD exomes 0.00002; TOPMed 0.00002; ExAC 0.00007.
gnomAD v4.1: 33 of 1,554,140 alleles (0.0021%); highest among the groups gnomAD compares: African/African-American, 0.0027%; no homozygotes.

Submissions (5):

Labcorp Genetics (formerly Invitae), Labcorp
Classification: Likely benign for Nemaline myopathy 2. Last evaluated: 2026-01-24. Review status: criteria provided, single submitter. Criteria: Invitae Variant Classification Sherloc (09022015). Collection method: clinical testing. Allele origin: germline.

PreventionGenetics, part of Exact Sciences
Classification: Uncertain significance for NEB-related condition. Last evaluated: 2024-10-18. Review status: criteria provided, single submitter. Criteria: ACMG Guidelines, 2015. Collection method: clinical testing. Allele origin: germline.
Comment: The NEB c.11165G>A variant is predicted to result in the amino acid substitution p.Arg3722Gln. To our knowledge, this variant has not been reported in the literature. This variant is reported in 0.0066% of alleles in individuals of East Asian descent in gnomAD. At this time, the clinical significance of this variant is uncertain due to the absence of conclusive functional and genetic evidence.

Revvity Omics, Revvity
Classification: Uncertain significance. Last evaluated: 2023-08-31. Review status: criteria provided, single submitter. Criteria: ACMG Guidelines, 2015. Collection method: clinical testing. Allele origin: germline.

Illumina Laboratory Services, Illumina
Classification: Uncertain significance for Nemaline myopathy 2. Last evaluated: 2018-01-13. Review status: criteria provided, single submitter. Criteria: ICSL Variant Classification Criteria 13 December 2019. Collection method: clinical testing. Allele origin: germline.

GeneDx
Classification: Likely benign. Last evaluated: 2017-10-26. Review status: criteria provided, single submitter. Criteria: GeneDx Variant Classification (06012015). Collection method: clinical testing. Allele origin: germline. Affected: yes.
Comment: This variant is considered likely benign or benign based on one or more of the following criteria: it is a conservative change, it occurs at a poorly conserved position in the protein, it is predicted to be benign by multiple in silico algorithms, and/or has population frequency not consistent with disease.

NM_001164508.2(NEB):c.11165G>A (p.Arg3722Gln)

Gene: NEB (nebulin; minus strand). Cytogenetic location: 2q23.3.
Variant type: single nucleotide variant.
Coding change: c.11165G>A on transcript NM_001164508.2 (MANE Select); coding-DNA position 11165, G replaced by A.
Protein change: p.Arg3722Gln; replaces arginine 3722 with glutamine.
Molecular consequence: missense variant.
Genome position (GRCh38, 1-based): chr2:151,617,380, C>T on the plus strand (G>A on the coding strand, the complement: NEB is on the minus strand). VCF-style: chr2-151617380-C-T. GRCh37 (hg19) VCF-style: chr2-152473894-C-T.
Other names: c.11165G>A, p.Arg3722Gln (NM_001164507.2, NM_001271208.2); c.10436G>A, p.Arg3479Gln (NM_004543.5); short protein forms R3479Q, R3722Q.
Identifiers: ClinVar variation 331474 (VCV000331474.12), dbSNP rs757027644, ClinGen allele CA1908828.